The following is an entry in ClinVar:

NM_170707.4(LMNA):c.1660G>C (p.Glu554Gln)

Gene: LMNA (lamin A/C; plus strand). Cytogenetic location: 1q22.
Variant type: single nucleotide variant.
Coding change: c.1660G>C on transcript NM_170707.4 (MANE Select); coding-DNA position 1660, G replaced by C.
Protein change: p.Glu554Gln; replaces glutamic acid 554 with glutamine.
Molecular consequence: missense variant. On other transcripts: intron variant (1).
Genome position (GRCh38, 1-based): chr1:156,137,705, G>C. VCF-style: chr1-156137705-G-C. GRCh37 (hg19) VCF-style: chr1-156107496-G-C.
Other names: c.1324G>C, p.Glu442Gln (NM_001257374.3, NM_001406989.1, NM_001406998.1); c.1417G>C, p.Glu473Gln (NM_001282624.2, NM_001406986.1, NM_001406987.1); c.1660G>C, p.Glu554Gln (NM_001282625.2, NM_001282626.2, NM_001406983.1 and 5 more transcripts); c.1363G>C, p.Glu455Gln (NM_001406988.1); c.1102G>C, p.Glu368Gln (NM_001406990.1, NM_001406993.1, NM_001406995.1 and 4 more transcripts); c.1036G>C, p.Glu346Gln (NM_001406994.1, NM_001406999.1, NM_001407000.1 and 1 more transcripts); c.1608+473G>C (NM_170708.4); short protein forms E368Q, E442Q, E346Q, E455Q, E554Q, E473Q.
Identifiers: ClinVar variation 3538720 (VCV003538720.1).
Genomic context (GRCh38, chr1:156,137,705, plus strand): 5'-CCCCACCAGGAAGTGGCCATGCGCAAGCTGGTGCGCTCAGTGACTGTGGTTGAGGACGAC[G>C]AGGATGAGGATGGAGATGACCTGCTCCATCACCACCACGTGAGTGGTAGCCGCCGCTGAG-3'
Protein context (NP_733821.1, residues 544-564): VRSVTVVEDD[Glu554Gln]DEDGDDLLHH

ClinVar aggregate classification (germline): Uncertain significance (1 of 4 stars; one submission).

Conditions:
Cardiovascular phenotype. Identifiers: MedGen CN230736.

Submission:

Ambry Genetics
Classification: Uncertain significance for Cardiovascular phenotype. Last evaluated: 2024-10-10. Review status: criteria provided, single submitter. Criteria: Ambry Variant Classification Scheme 2023. Collection method: clinical testing. Allele origin: germline.
Comment: The p.E554Q variant (also known as c.1660G>C), located in coding exon 10 of the LMNA gene, results from a G to C substitution at nucleotide position 1660. The glutamic acid at codon 554 is replaced by glutamine, an amino acid with highly similar properties. This variant was detected in a cardiomyopathy/arrhythmia genetic testing cohort; however, clinical details were limited, and additional cardiac variants were detected in some cases (van Lint FHM et al. Neth Heart J, 2019 Jun;27:304-309). This variant has also been reported in a sudden cardiac death cohort (Vot&yacute;pka P et al. Int J Legal Med, 2023 Nov;137:1787-1801). This amino acid position is not well conserved in available vertebrate species. In addition, the in silico prediction for this alteration is inconclusive. Based on the available evidence, the clinical significance of this variant remains unclear.

Literature cited by the submitters: PubMed 30847666; PubMed 37178278.